The following is an entry in ClinVar:

NM_001080467.3(MYO5B):c.2058G>A (p.Thr686=)

Gene: MYO5B (myosin VB; minus strand). Cytogenetic location: 18q21.1.
Variant type: single nucleotide variant.
Coding change: c.2058G>A on transcript NM_001080467.3 (MANE Select); coding-DNA position 2058, G replaced by A.
Protein change: p.Thr686=; no amino-acid change (threonine 686 retained).
Molecular consequence: synonymous variant.
Genome position (GRCh38, 1-based): chr18:49,929,544, C>T on the plus strand (G>A on the coding strand, the complement: MYO5B is on the minus strand). VCF-style: chr18-49929544-C-T. GRCh37 (hg19) VCF-style: chr18-47455914-C-T.
Other names: c.2058G>A (NM_001080467.2).
Identifiers: ClinVar variation 2143520 (VCV002143520.6), dbSNP rs533321748, ClinGen allele CA8961245.

ClinVar aggregate classification (germline): Likely benign. Review status: criteria provided, multiple submitters, no conflicts (2 of 4 stars). 3 submissions from 3 submitters: Likely benign (3). Last evaluated 2025-12-28.

Conditions:
MYO5B-related disorder. Also called: MYO5B-related condition.

Allele frequency attached by ClinVar (database versions not stated): ExAC 0.00005; 1000 Genomes Project 0.00020; 1000 Genomes Project 30x 0.00031.
gnomAD v4.1: 36 of 1,608,466 alleles (0.0022%); highest among the groups gnomAD compares: South Asian, 0.019%; no homozygotes.

Submissions (3):

PreventionGenetics, part of Exact Sciences
Classification: Likely benign for MYO5B-related condition. Last evaluated: 2025-12-28. Review status: criteria provided, single submitter. Criteria: ACMG Guidelines, 2015. Collection method: clinical testing. Allele origin: germline.
Comment: This variant is classified as likely benign based on ACMG/AMP sequence variant interpretation guidelines (Richards et al. 2015 PMID: 25741868, with internal and published modifications).

Labcorp Genetics (formerly Invitae), Labcorp
Classification: Likely benign. Last evaluated: 2025-09-08. Review status: criteria provided, single submitter. Criteria: Invitae Variant Classification Sherloc (09022015). Collection method: clinical testing. Allele origin: germline.

Blueprint Genetics
Classification: Likely benign. Last evaluated: 2024-04-29. Review status: criteria provided, single submitter. Criteria: ACMG Guidelines, 2015. Collection method: clinical testing. Allele origin: germline.